The following is an entry in ClinVar:

NM_017636.4(TRPM4):c.626C>T (p.Ala209Val)

Gene: TRPM4 (transient receptor potential cation channel subfamily M member 4; plus strand). Cytogenetic location: 19q13.33.
Variant type: single nucleotide variant.
Coding change: c.626C>T on transcript NM_017636.4 (MANE Select); coding-DNA position 626, C replaced by T.
Protein change: p.Ala209Val; replaces alanine 209 with valine.
Molecular consequence: missense variant. On other transcripts: 5 prime UTR variant (2).
Genome position (GRCh38, 1-based): chr19:49,168,566, C>T. VCF-style: chr19-49168566-C-T. GRCh37 (hg19) VCF-style: chr19-49671823-C-T.
Other names: c.626C>T, p.Ala209Val (NM_001195227.2); c.281C>T, p.Ala94Val (NM_001321281.2); c.-928C>T (NM_001321282.2); c.104C>T, p.Ala35Val (NM_001321283.2); c.-224C>T (NM_001321285.2); short protein forms A35V, A209V, A94V.
Identifiers: ClinVar variation 1752538 (VCV001752538.5), dbSNP rs765832900, ClinGen allele CA9568895.
Genomic context (GRCh38, chr19:49,168,566, plus strand): 5'-TCTGGCCCCGATGAGGAGACGCCCTGGTCTGGCCATTTTTCCCCTAGGGCTCGTTCCCTG[C>T]GAGGTACCGGTGGCGCGGTGACCCGGAGGACGGGGTCCAGTTTCCCCTGGACTACAACTA-3'
Protein context (NP_060106.2, residues 199-219): TLINPKGSFP[Ala209Val]RYRWRGDPED

ClinVar aggregate classification (germline): Uncertain significance. Review status: criteria provided, multiple submitters, no conflicts (2 of 4 stars). 2 submissions from 2 submitters: Uncertain significance (2). Last evaluated 2024-01-04.

Conditions:
Progressive familial heart block type IB (PFHB1B). Identifiers: Orphanet 871, MedGen C1970298, MONDO:0011474, OMIM 604559.
Cardiovascular phenotype. Identifiers: MedGen CN230736.

Allele frequency attached by ClinVar (database versions not stated): gnomAD 0.00001; gnomAD exomes 0.00001; TOPMed 0.00001; ExAC 0.00002.
gnomAD v4.1: 16 of 1,613,798 alleles (0.00099%); highest among the groups gnomAD compares: South Asian, 0.0088%; no homozygotes.

Submissions (2):

Labcorp Genetics (formerly Invitae), Labcorp
Classification: Uncertain significance for Progressive familial heart block type IB. Last evaluated: 2024-01-04. Review status: criteria provided, single submitter. Criteria: Invitae Variant Classification Sherloc (09022015). Collection method: clinical testing. Allele origin: germline.
Comment: This sequence change replaces alanine, which is neutral and non-polar, with valine, which is neutral and non-polar, at codon 209 of the TRPM4 protein (p.Ala209Val). This variant is present in population databases (rs765832900, gnomAD 0.02%). This variant has not been reported in the literature in individuals affected with TRPM4-related conditions. ClinVar contains an entry for this variant (Variation ID: 1752538). An algorithm developed to predict the effect of missense changes on protein structure and function (PolyPhen-2) suggests that this variant is likely to be tolerated. In summary, the available evidence is currently insufficient to determine the role of this variant in disease. Therefore, it has been classified as a Variant of Uncertain Significance.

Ambry Genetics
Classification: Uncertain significance for Cardiovascular phenotype. Last evaluated: 2021-04-05. Review status: criteria provided, single submitter. Criteria: Ambry Variant Classification Scheme 2023. Collection method: clinical testing. Allele origin: germline.
Comment: The p.A209V variant (also known as c.626C>T), located in coding exon 6 of the TRPM4 gene, results from a C to T substitution at nucleotide position 626. The alanine at codon 209 is replaced by valine, an amino acid with similar properties. This amino acid position is highly conserved in available vertebrate species. In addition, this alteration is predicted to be tolerated by in silico analysis. Since supporting evidence is limited at this time, the clinical significance of this alteration remains unclear.